The following is an entry in ClinVar:

NM_006978.3(RNF113A):c.382C>T (p.Arg128Cys)

Gene: RNF113A (ring finger protein 113A; minus strand). Cytogenetic location: Xq24.
Variant type: single nucleotide variant.
Coding change: c.382C>T on transcript NM_006978.3 (MANE Select); coding-DNA position 382, C replaced by T.
Protein change: p.Arg128Cys; replaces arginine 128 with cysteine.
Molecular consequence: missense variant.
Genome position (GRCh38, 1-based): chrX:119,871,232, G>A on the plus strand (C>T on the coding strand, the complement: RNF113A is on the minus strand). VCF-style: chrX-119871232-G-A. GRCh37 (hg19) VCF-style: chrX-119005195-G-A.
Other names: short protein forms R128C.
Identifiers: ClinVar variation 2250062 (VCV002250062.5), dbSNP rs768022410, ClinGen allele CA10503468.

ClinVar aggregate classification (germline): Uncertain significance. Review status: criteria provided, multiple submitters, no conflicts (2 of 4 stars). 2 submissions from 2 submitters: Uncertain significance (2). Last evaluated 2024-01-06.

Allele frequency attached by ClinVar (database versions not stated): gnomAD 0.00001; ExAC 0.00002; gnomAD exomes 0.00002; TOPMed 0.00002.
gnomAD v4.1: 27 of 1,209,543 alleles (0.0022%); highest among the groups gnomAD compares: East Asian, 0.08%; no homozygotes.

Submissions (2):

Labcorp Genetics (formerly Invitae), Labcorp
Classification: Uncertain significance. Last evaluated: 2024-01-06. Review status: criteria provided, single submitter. Criteria: Invitae Variant Classification Sherloc (09022015). Collection method: clinical testing. Allele origin: germline.
Comment: This sequence change replaces arginine, which is basic and polar, with cysteine, which is neutral and slightly polar, at codon 128 of the RNF113A protein (p.Arg128Cys). This variant is present in population databases (rs768022410, gnomAD 0.03%). This variant has not been reported in the literature in individuals affected with RNF113A-related conditions. ClinVar contains an entry for this variant (Variation ID: 2250062). Advanced modeling of protein sequence and biophysical properties (such as structural, functional, and spatial information, amino acid conservation, physicochemical variation, residue mobility, and thermodynamic stability) performed at Invitae indicates that this missense variant is not expected to disrupt RNF113A protein function with a negative predictive value of 80%. In summary, the available evidence is currently insufficient to determine the role of this variant in disease. Therefore, it has been classified as a Variant of Uncertain Significance.

Ambry Genetics
Classification: Uncertain significance. Last evaluated: 2021-09-16. Review status: criteria provided, single submitter. Criteria: Ambry Variant Classification Scheme 2023. Collection method: clinical testing. Allele origin: germline.